The following is an entry in ClinVar:

ClinVar aggregate classification (germline): Uncertain significance. Review status: criteria provided, multiple submitters, no conflicts (2 of 4 stars). 3 submissions from 3 submitters: Uncertain significance (3). Last evaluated 2024-05-03.

Allele frequency attached by ClinVar (database versions not stated): TOPMed 0.00002; ExAC 0.00004; gnomAD 0.00004.

Submissions (3):

Blueprint Genetics
Classification: Uncertain significance. Last evaluated: 2024-05-03. Review status: criteria provided, single submitter. Criteria: ACMG Guidelines, 2015. Collection method: clinical testing. Allele origin: germline.

GeneDx
Classification: Uncertain significance. Last evaluated: 2023-10-12. Review status: criteria provided, single submitter. Criteria: GeneDx Variant Classification Process June 2021. Collection method: clinical testing. Allele origin: germline. Affected: yes.
Comment: In silico analysis supports that this missense variant does not alter protein structure/function; Has not been previously published as pathogenic or benign to our knowledge

Labcorp Genetics (formerly Invitae), Labcorp
Classification: Uncertain significance. Last evaluated: 2022-06-09. Review status: criteria provided, single submitter. Criteria: Invitae Variant Classification Sherloc (09022015). Collection method: clinical testing. Allele origin: germline.
Comment: This sequence change replaces valine, which is neutral and non-polar, with isoleucine, which is neutral and non-polar, at codon 1383 of the CARMIL2 protein (p.Val1383Ile). This variant is present in population databases (rs755266316, gnomAD 0.02%). This variant has not been reported in the literature in individuals affected with CARMIL2-related conditions. Algorithms developed to predict the effect of missense changes on protein structure and function are either unavailable or do not agree on the potential impact of this missense change (SIFT: "Tolerated"; PolyPhen-2: "Probably Damaging"; Align-GVGD: "Class C0"). In summary, the available evidence is currently insufficient to determine the role of this variant in disease. Therefore, it has been classified as a Variant of Uncertain Significance.

NM_001013838.3(CARMIL2):c.4147G>A (p.Val1383Ile)

Genes: ACD (ACD shelterin complex subunit and telomerase recruitment factor; minus strand), CARMIL2 (capping protein regulator and myosin 1 linker 2; plus strand). Cytogenetic location: 16q22.1.
Variant type: single nucleotide variant.
Coding change: c.4147G>A on transcript NM_001013838.3 (MANE Select); coding-DNA position 4147, G replaced by A.
Protein change: p.Val1383Ile; replaces valine 1383 with isoleucine.
Molecular consequence: missense variant.
Genome position (GRCh38, 1-based): chr16:67,657,268, G>A. VCF-style: chr16-67657268-G-A. GRCh37 (hg19) VCF-style: chr16-67691171-G-A.
Other names: c.3958G>A, p.Val1320Ile (NM_001317026.3); short protein forms V1383I, V1320I.
Identifiers: ClinVar variation 1353871 (VCV001353871.7), dbSNP rs755266316, ClinGen allele CA8114276.